The following is an entry in ClinVar:

ClinVar aggregate classification (germline): Uncertain significance. Review status: criteria provided, multiple submitters, no conflicts (2 of 4 stars). 3 submissions from 3 submitters: Uncertain significance (3). Last evaluated 2022-05-19.

Conditions:
Deafness, congenital heart defects, and posterior embryotoxon (DCHE). Identifiers: MedGen C1866053, MONDO:0060713, OMIM 617992.
Alagille syndrome due to a JAG1 point mutation. Also called: Alagille Syndrome 1; JAG1-Related Alagille Syndrome; HEPATIC DUCTULAR HYPOPLASIA, SYNDROMATIC. Identifiers: Orphanet 261619, Orphanet 52, MedGen C1956125, MONDO:0016862, OMIM 118450.
Tetralogy of Fallot (TOF). Identifiers: Orphanet 3303, MedGen C0039685, MONDO:0008542, OMIM 187500, HP:0001636.
Charcot-Marie-Tooth disease, axonal, Type 2HH. Also called: CHARCOT-MARIE-TOOTH NEUROPATHY, TYPE 2HH. Identifiers: MedGen C5562003, MONDO:0030458, OMIM 619574.

Allele frequency attached by ClinVar (database versions not stated): gnomAD exomes below 0.00001.

Submissions (3):

Fulgent Genetics
Classification: Uncertain significance for Alagille syndrome due to a JAG1 point mutation; Tetralogy of Fallot; Deafness, congenital heart defects, and posterior embryotoxon; Charcot-Marie-Tooth disease, axonal, Type 2HH. Last evaluated: 2022-05-19. Review status: criteria provided, single submitter. Criteria: ACMG Guidelines, 2015. Collection method: clinical testing. Allele origin: unknown.

GeneDx
Classification: Uncertain significance. Last evaluated: 2019-04-18. Review status: criteria provided, single submitter. Criteria: GeneDx Variant Classification Process June 2021. Collection method: clinical testing. Allele origin: germline. Affected: yes.
Comment: Has not been previously published as pathogenic or benign to our knowledge; Not observed in large population cohorts (Lek et al., 2016); In silico analysis, which includes protein predictors and evolutionary conservation, supports that this variant does not alter protein structure/function

Eurofins Ntd Llc (ga)
Classification: Uncertain significance. Last evaluated: 2016-06-09. Review status: criteria provided, single submitter. Criteria: EGL Classification Definitions 2015. Collection method: clinical testing. Allele origin: germline. Observed: 1 variant allele, 1 heterozygote.

NM_000214.3(JAG1):c.56C>T (p.Ala19Val)

Gene: JAG1 (jagged canonical Notch ligand 1; minus strand). Cytogenetic location: 20p12.2.
Variant type: single nucleotide variant.
Coding change: c.56C>T on transcript NM_000214.3 (MANE Select); coding-DNA position 56, C replaced by T.
Protein change: p.Ala19Val; replaces alanine 19 with valine.
Molecular consequence: missense variant.
Genome position (GRCh38, 1-based): chr20:10,673,475, G>A on the plus strand (C>T on the coding strand, the complement: JAG1 is on the minus strand). VCF-style: chr20-10673475-G-A. GRCh37 (hg19) VCF-style: chr20-10654123-G-A.
Other names: c.56C>T, p.Ala19Val (LRG_1191t1); short protein forms A19V.
Identifiers: ClinVar variation 288714 (VCV000288714.8), dbSNP rs886043988, ClinGen allele CA10606198.